The following is an entry in ClinVar:

ClinVar aggregate classification (germline): Conflicting classifications of pathogenicity. Review status: criteria provided, conflicting classifications (1 of 4 stars). 3 submissions from 3 submitters: Uncertain significance (2); Likely benign (1). Last evaluated 2026-05-12.

Conditions:
Cardiovascular phenotype. Identifiers: MedGen CN230736.

Allele frequency attached by ClinVar (database versions not stated): gnomAD 0.00002 and 0.00004; ExAC 0.00019; gnomAD exomes 0.00007 and 0.00004; 1000 Genomes Project 30x 0.00016; TOPMed 0.00005.

Submissions (3):

GeneDx
Classification: Uncertain significance. Last evaluated: 2026-05-12. Review status: criteria provided, single submitter. Criteria: GeneDx Variant Classification Process June 2021. Collection method: clinical testing. Allele origin: germline.
Comment: Not observed at significant frequency in large population cohorts (gnomAD); In silico analysis suggests that this missense variant does not alter protein structure/function; Has not been previously published as pathogenic or benign to our knowledge

Ambry Genetics
Classification: Likely benign for Cardiovascular phenotype. Last evaluated: 2024-11-09. Review status: criteria provided, single submitter. Criteria: Ambry Variant Classification Scheme 2023. Collection method: clinical testing. Allele origin: germline.

Labcorp Genetics (formerly Invitae), Labcorp
Classification: Uncertain significance. Last evaluated: 2022-05-25. Review status: criteria provided, single submitter. Criteria: Invitae Variant Classification Sherloc (09022015). Collection method: clinical testing. Allele origin: germline.
Comment: This sequence change replaces arginine, which is basic and polar, with cysteine, which is neutral and slightly polar, at codon 21 of the ZNF469 protein (p.Arg21Cys). This variant is present in population databases (rs754101639, gnomAD 0.01%). This variant has not been reported in the literature in individuals affected with ZNF469-related conditions. Algorithms developed to predict the effect of missense changes on protein structure and function output the following: SIFT: "Tolerated"; PolyPhen-2: "Benign"; Align-GVGD: "Class C0". The cysteine amino acid residue is found in multiple mammalian species, which suggests that this missense change does not adversely affect protein function. In summary, the available evidence is currently insufficient to determine the role of this variant in disease. Therefore, it has been classified as a Variant of Uncertain Significance.

NM_001367624.2(ZNF469):c.61C>T (p.Arg21Cys)

Gene: ZNF469 (zinc finger protein 469; plus strand). Cytogenetic location: 16q24.2.
Variant type: single nucleotide variant.
Coding change: c.61C>T on transcript NM_001367624.2 (MANE Select); coding-DNA position 61, C replaced by T.
Protein change: p.Arg21Cys; replaces arginine 21 with cysteine.
Molecular consequence: missense variant.
Genome position (GRCh38, 1-based): chr16:88,427,531, C>T. VCF-style: chr16-88427531-C-T. GRCh37 (hg19) VCF-style: chr16-88493939-C-T.
Other names: NM_001127464.1:c.61C>T; short protein forms R21C.
Identifiers: ClinVar variation 1381553 (VCV001381553.7), dbSNP rs754101639, ClinGen allele CA8224566.